The following is an entry in ClinVar:

NM_001110556.2(FLNA):c.4589T>G (p.Val1530Gly)

Gene: FLNA (filamin A; minus strand). Cytogenetic location: Xq28.
Variant type: single nucleotide variant.
Coding change: c.4589T>G on transcript NM_001110556.2 (MANE Select); coding-DNA position 4589, T replaced by G.
Protein change: p.Val1530Gly; replaces valine 1530 with glycine.
Molecular consequence: missense variant.
Genome position (GRCh38, 1-based): chrX:154,358,454, A>C on the plus strand (T>G on the coding strand, the complement: FLNA is on the minus strand). VCF-style: chrX-154358454-A-C. GRCh37 (hg19) VCF-style: chrX-153586822-A-C.
Other names: c.4589T>G, p.Val1530Gly (NM_001456.4); short protein forms V1530G.
Identifiers: ClinVar variation 1035000 (VCV001035000.9), dbSNP rs1603360612, ClinGen allele CA415215230.

ClinVar aggregate classification (germline): Uncertain significance (1 of 4 stars; one submission).

Conditions:
Heterotopia, periventricular, X-linked dominant (PVNH1). Also called: PERIVENTRICULAR NODULAR HETEROTOPIA 1; X-linked periventricular heterotopia; PERIVENTRICULAR NODULAR HETEROTOPIA 4; HETEROTOPIA, PERIVENTRICULAR, 1. Identifiers: Orphanet 2149, Orphanet 82004, MedGen C1848213, MONDO:0010233, OMIM 300049.
Melnick-Needles syndrome (MNS). Also called: MELNICK-NEEDLES OSTEODYSPLASTY; OSTEODYSPLASTY OF MELNICK AND NEEDLES; Melnick-Needles Syndrome (FLNA-MNS). Identifiers: Orphanet 2484, MedGen C0025237, MONDO:0010650, OMIM 309350.
Frontometaphyseal dysplasia (FMD1). Identifiers: Orphanet 1826, MedGen C0265293, MONDO:0015942.
Oto-palato-digital syndrome, type II (OPD2). Also called: OPD II SYNDROME; FACIOPALATOOSSEOUS SYNDROME; Otopalatodigital Syndrome Type 2 (FLNA-OPD2); Otopalatodigital Syndrome, Type II. Identifiers: Orphanet 669, Orphanet 90652, MedGen C1844696, MONDO:0010571, OMIM 304120.

Submission:

Labcorp Genetics (formerly Invitae), Labcorp
Classification: Uncertain significance for Oto-palato-digital syndrome, type II; Heterotopia, periventricular, X-linked dominant; Frontometaphyseal dysplasia; Melnick-Needles syndrome. Last evaluated: 2020-05-05. Review status: criteria provided, single submitter. Criteria: Invitae Variant Classification Sherloc (09022015). Collection method: clinical testing. Allele origin: germline.
Comment: In summary, the available evidence is currently insufficient to determine the role of this variant in disease. Therefore, it has been classified as a Variant of Uncertain Significance. Algorithms developed to predict the effect of missense changes on protein structure and function (SIFT, PolyPhen-2, Align-GVGD) all suggest that this variant is likely to be disruptive, but these predictions have not been confirmed by published functional studies and their clinical significance is uncertain. This variant has not been reported in the literature in individuals with FLNA-related conditions. This variant is not present in population databases (ExAC no frequency). This sequence change replaces valine with glycine at codon 1530 of the FLNA protein (p.Val1530Gly). The valine residue is highly conserved and there is a moderate physicochemical difference between valine and glycine.